The following is an entry in ClinVar:

GRCh37/hg19 Xq21.32-26.1(chrX:92712119-129831493)x1

Genes: ACSL4 (acyl-CoA synthetase long chain family member 4; minus strand), ACTRT1 (actin related protein T1; minus strand), AGTR2 (angiotensin II receptor type 2; plus strand), AIFM1 (apoptosis inducing factor mitochondria associated 1; minus strand), AKAP14 (A-kinase anchoring protein 14; plus strand) and 188 more. Cytogenetic location: Xq21.32-26.1.
Variant type: copy number loss.
Change: copy number 1 of chrX:92,712,119-129,831,493 (37.12 Mb, GRCh37 coordinates, 1-based), cytogenetic band Xq21.32-26.1.
Identifiers: ClinVar variation 3391958 (VCV003391958.1).

ClinVar aggregate classification (germline): Pathogenic (1 of 4 stars; one submission).

Submission:

Quest Diagnostics Nichols Institute San Juan Capistrano
Classification: Pathogenic. Last evaluated: 2024-05-01. Review status: criteria provided, single submitter. Criteria: ACMG/ClinGen CNV Guidelines, 2019. Collection method: clinical testing. Allele origin: unknown.
Comment: This loss involves approximately 200 protein-coding genes. Deletions contained within or partially overlapping this region have been implicated in numerous phenotypes (Gazou 2013, Hijazi 2020, Mercer 2013, Puvabanditsin 2016, Santos-Reboucas 2020). There are no similar copy number loss of this region in the general populations of the Database of Genomic Variants. Thus, based on gene content and current medical literature, this copy number variant (CNV) is classified as pathogenic. References: Gazou et al., Am J Med Genet A. 2013 Apr;161A(4):860-4. PMID: 23520119; Hijazi et al., Hum Mutat. 2020 Jan;41(1):150-168. PMID: 31448840; Mercer et al., Eur J Med Genet. 2013 Jan;56(1):1-6. PMID: 23059468; Puvabanditsin et al., Fetal Pediatr Pathol. 2016;35(2):133-41. PMID: 26881326; Santos-Reboucas et al., Front Genet. 2020 Mar 4;11:101. PMID: 32194616